The following is an entry in ClinVar:

ClinVar aggregate classification (germline): Uncertain significance. Review status: criteria provided, multiple submitters, no conflicts (2 of 4 stars). 2 submissions from 2 submitters: Uncertain significance (2). Last evaluated 2025-08-02.

Allele frequency attached by ClinVar (database versions not stated): gnomAD exomes below 0.00001.
gnomAD v4.1: 1 of 1,613,728 alleles (0.000062%); highest among the groups gnomAD compares: Non-Finnish European, 0.000085%; no homozygotes.

Submissions (2):

Ambry Genetics
Classification: Uncertain significance. Last evaluated: 2025-08-02. Review status: criteria provided, single submitter. Criteria: Ambry Variant Classification Scheme 2023. Collection method: clinical testing. Allele origin: germline.

Labcorp Genetics (formerly Invitae), Labcorp
Classification: Uncertain significance. Last evaluated: 2022-04-09. Review status: criteria provided, single submitter. Criteria: Invitae Variant Classification Sherloc (09022015). Collection method: clinical testing. Allele origin: germline.
Comment: This sequence change replaces lysine, which is basic and polar, with asparagine, which is neutral and polar, at codon 373 of the VPS33A protein (p.Lys373Asn). This variant is not present in population databases (gnomAD no frequency). This variant has not been reported in the literature in individuals affected with VPS33A-related conditions. Algorithms developed to predict the effect of missense changes on protein structure and function (SIFT, PolyPhen-2, Align-GVGD) all suggest that this variant is likely to be tolerated. In summary, the available evidence is currently insufficient to determine the role of this variant in disease. Therefore, it has been classified as a Variant of Uncertain Significance.

NM_022916.6(VPS33A):c.1119A>T (p.Lys373Asn)

Gene: VPS33A (VPS33A core subunit of CORVET and HOPS complexes; minus strand). Cytogenetic location: 12q24.31.
Variant type: single nucleotide variant.
Coding change: c.1119A>T on transcript NM_022916.6 (MANE Select); coding-DNA position 1119, A replaced by T.
Protein change: p.Lys373Asn; replaces lysine 373 with asparagine.
Molecular consequence: missense variant.
Genome position (GRCh38, 1-based): chr12:122,239,923, T>A on the plus strand (A>T on the coding strand, the complement: VPS33A is on the minus strand). VCF-style: chr12-122239923-T-A. GRCh37 (hg19) VCF-style: chr12-122724470-T-A.
Other names: c.1086A>T, p.Lys362Asn (NM_001351018.2); c.1071A>T, p.Lys357Asn (NM_001351019.2); c.798A>T, p.Lys266Asn (NM_001351020.2); c.1119A>T (NM_022916.4); short protein forms K266N, K357N, K362N, K373N.
Identifiers: ClinVar variation 1920940 (VCV001920940.6), dbSNP rs2547160723, ClinGen allele CA387052729.